The following is an entry in ClinVar:

ClinVar aggregate classification (germline): Uncertain significance (1 of 4 stars; one submission).

gnomAD v4.1: 1 of 1,614,048 alleles (0.000062%); no homozygotes.

Submission:

GeneDx
Classification: Uncertain significance. Last evaluated: 2024-04-23. Review status: criteria provided, single submitter. Criteria: GeneDx Variant Classification Process June 2021. Collection method: clinical testing. Allele origin: germline. Affected: yes.
Comment: Not observed at significant frequency in large population cohorts (gnomAD); In silico analysis supports that this missense variant has a deleterious effect on protein structure/function; Has not been previously published as pathogenic or benign to our knowledge; Affects a glycine residue in a Gly-X-Y motif in the triple helical region of the COL4A1 gene

NM_001845.6(COL4A1):c.3515G>A (p.Gly1172Glu)

Gene: COL4A1 (collagen type IV alpha 1 chain; minus strand). Cytogenetic location: 13q34.
Variant type: single nucleotide variant.
Coding change: c.3515G>A on transcript NM_001845.6 (MANE Select); coding-DNA position 3515, G replaced by A.
Protein change: p.Gly1172Glu; replaces glycine 1172 with glutamic acid.
Molecular consequence: missense variant.
Genome position (GRCh38, 1-based): chr13:110,172,761, C>T on the plus strand (G>A on the coding strand, the complement: COL4A1 is on the minus strand). VCF-style: chr13-110172761-C-T. GRCh37 (hg19) VCF-style: chr13-110825108-C-T.
Other names: short protein forms G1172E.
Identifiers: ClinVar variation 3368155 (VCV003368155.1).